The following is an entry in ClinVar:

NM_000352.6(ABCC8):c.3346C>G (p.Pro1116Ala)

Gene: ABCC8 (ATP binding cassette subfamily C member 8; minus strand). Cytogenetic location: 11p15.1.
Variant type: single nucleotide variant.
Coding change: c.3346C>G on transcript NM_000352.6 (MANE Select); coding-DNA position 3346, C replaced by G.
Protein change: p.Pro1116Ala; replaces proline 1116 with alanine.
Molecular consequence: missense variant. On other transcripts: non-coding transcript variant (1).
Genome position (GRCh38, 1-based): chr11:17,405,547, G>C on the plus strand (C>G on the coding strand, the complement: ABCC8 is on the minus strand). VCF-style: chr11-17405547-G-C. GRCh37 (hg19) VCF-style: chr11-17427094-G-C.
Other names: c.3349C>G, p.Pro1117Ala (NM_001287174.3); c.3412C>G, p.Pro1138Ala (NM_001351295.2); c.3346C>G, p.Pro1116Ala (NM_001351296.2); c.3343C>G, p.Pro1115Ala (NM_001351297.2); short protein forms P1116A, P1117A, P1138A, P1115A.
Identifiers: ClinVar variation 587475 (VCV000587475.4), dbSNP rs1564890766, ClinGen allele CA379800524.

ClinVar aggregate classification (germline): Conflicting classifications of pathogenicity. Review status: criteria provided, conflicting classifications (1 of 4 stars). 3 submissions from 2 submitters: Likely pathogenic (1); Uncertain significance (2). Last evaluated 2018-08-07.

Conditions:
Transitory neonatal diabetes mellitus. Also called: Transient neonatal diabetes mellitus. Identifiers: MedGen C0342273, MONDO:0020525, HP:0008255.
Maturity-onset diabetes of the young (MODY). Also called: Maturity onset diabetes mellitus in young. Identifiers: Orphanet 552, MedGen C0342276, MONDO:0018911, HP:0004904.
Familial hyperinsulinism. Also called: Congenital hyperinsulinism. Identifiers: Orphanet 276525, MedGen C3888018, MONDO:0017182. Disease mechanism: loss of function.

Submissions (3):

Genomic Research Center, Shahid Beheshti University of Medical Sciences
Classification: Likely pathogenic for Familial hyperinsulinism. Last evaluated: 2018-08-07. Review status: criteria provided, single submitter. Criteria: ACMG Guidelines, 2015. Collection method: clinical testing. Allele origin: inherited. Affected: no. Observed: 1 variant allele.

Clinical Genomics, Uppaluri K&H Personalized Medicine Clinic
Classification: Uncertain significance for Transitory neonatal diabetes mellitus. Review status: criteria provided, single submitter. Criteria: K & H Uppaluri Personalized Medicine Clinic Variant Classification & Assertion Criteria_Updated V.1. Collection method: research. Allele origin: somatic. Inheritance: Somatic mutation.
Comment: Mutations in ABCC8 gene are associated with both neonatal diabetes mellitus as well as MODY. Patients with this mutation may have a better response to sulfonylureas. However, no sufficient evidence is found to ascertain the role of this particular variant (rs1564890766) in neonatal diabetes yet.

Clinical Genomics, Uppaluri K&H Personalized Medicine Clinic
Classification: Uncertain significance for Maturity-onset diabetes of the young. Review status: criteria provided, single submitter. Criteria: K & H Uppaluri Personalized Medicine Clinic Variant Classification & Assertion Criteria_Updated V.1. Collection method: research. Allele origin: somatic. Inheritance: Somatic mutation.
Comment: Mutations in ABCC8 gene are associated with both neonatal diabetes mellitus as well as MODY. Patients with this mutation may have a better response to sulfonylureas. However, no sufficient evidence is found to ascertain the role of this particular variant (rs1564890766) in MODY yet.

Literature cited by the submitters: PubMed 16885549 (cited by Clinical Genomics, Uppaluri K&H Personalized Medicine Clinic); PubMed 21989597 (cited by Clinical Genomics, Uppaluri K&H Personalized Medicine Clinic); PubMed 27538677 (cited by Clinical Genomics, Uppaluri K&H Personalized Medicine Clinic); PubMed 18981553 (cited by Clinical Genomics, Uppaluri K&H Personalized Medicine Clinic); PubMed 32027066 (cited by Clinical Genomics, Uppaluri K&H Personalized Medicine Clinic); PubMed 16613899 (cited by Clinical Genomics, Uppaluri K&H Personalized Medicine Clinic); PubMed 18025408 (cited by Clinical Genomics, Uppaluri K&H Personalized Medicine Clinic); PubMed 32792356 (cited by Clinical Genomics, Uppaluri K&H Personalized Medicine Clinic).